The following is an entry in ClinVar:

ClinVar aggregate classification (germline): Likely pathogenic (1 of 4 stars; one submission).

Allele frequency attached by ClinVar (database versions not stated): ExAC 0.00001.
gnomAD v4.1: 2 of 1,602,374 alleles (0.00012%); highest among the groups gnomAD compares: East Asian, 0.0022%; no homozygotes.

Submission:

Labcorp Genetics (formerly Invitae), Labcorp
Classification: Likely pathogenic. Last evaluated: 2023-03-08. Review status: criteria provided, single submitter. Criteria: Invitae Variant Classification Sherloc (09022015). Collection method: clinical testing. Allele origin: germline.
Comment: This sequence change affects a donor splice site in intron 11 of the RASGRP1 gene. It is expected to disrupt RNA splicing. Variants that disrupt the donor or acceptor splice site typically lead to a loss of protein function (PMID: 16199547), and loss-of-function variants in RASGRP1 are known to be pathogenic (PMID: 11017103, 27776107, 28822832). The frequency data for this variant in the population databases is considered unreliable, as metrics indicate poor data quality at this position in the gnomAD database. This variant has not been reported in the literature in individuals affected with RASGRP1-related conditions. Algorithms developed to predict the effect of sequence changes on RNA splicing suggest that this variant may disrupt the consensus splice site. In summary, the currently available evidence indicates that the variant is pathogenic, but additional data are needed to prove that conclusively. Therefore, this variant has been classified as Likely Pathogenic.

Literature cited by the submitters: PubMed 16199547; PubMed 11017103; PubMed 27776107; PubMed 28822832.

NM_005739.4(RASGRP1):c.1428+1G>A

Gene: RASGRP1 (RAS guanyl releasing protein 1; minus strand). Cytogenetic location: 15q14.
Variant type: single nucleotide variant.
Coding change: c.1428+1G>A on transcript NM_005739.4 (MANE Select); the canonical splice donor site of the intron after coding-DNA position 1428, G replaced by A.
Molecular consequence: splice donor variant. On other transcripts: intron variant (2).
Genome position (GRCh38, 1-based): chr15:38,503,271, C>T on the plus strand (G>A on the coding strand, the complement: RASGRP1 is on the minus strand). VCF-style: chr15-38503271-C-T. GRCh37 (hg19) VCF-style: chr15-38795472-C-T.
Other names: c.1324-850G>A (NM_001306086.2, NM_001128602.2).
Identifiers: ClinVar variation 2841352 (VCV002841352.3), dbSNP rs754690619, ClinGen allele CA7470908.